The following is an entry in ClinVar:

NM_001429.4(EP300):c.2863C>T (p.Pro955Ser)

Genes: EP300 (EP300 lysine acetyltransferase; plus strand), LOC126863158 (BRD4-independent group 4 enhancer GRCh37_chr22:41547383-41548582; plus strand). Cytogenetic location: 22q13.2.
Variant type: single nucleotide variant.
Coding change: c.2863C>T on transcript NM_001429.4 (MANE Select); coding-DNA position 2863, C replaced by T.
Protein change: p.Pro955Ser; replaces proline 955 with serine.
Molecular consequence: missense variant.
Genome position (GRCh38, 1-based): chr22:41,151,878, C>T. VCF-style: chr22-41151878-C-T. GRCh37 (hg19) VCF-style: chr22-41547882-C-T.
Other names: c.2785C>T, p.Pro929Ser (NM_001362843.2); short protein forms P929S, P955S.
Identifiers: ClinVar variation 5002715 (VCV005002715.1).

ClinVar aggregate classification (germline): Uncertain significance (1 of 4 stars; one submission).

Conditions:
Menke-Hennekam syndrome 2 (MKHK2). Identifiers: MedGen C5193035, MONDO:0020769, OMIM 618333.

Submission:

OLLIN Analises Genomicas, OLLIN
Classification: Uncertain significance for Menke-Hennekam syndrome 2. Last evaluated: 2026-08-06. Review status: criteria provided, single submitter. Criteria: ACMG Guidelines 2015 PMID 25741868. Collection method: clinical testing. Allele origin: germline. Inheritance: Autosomal dominant inheritance.
Comment: This missense variant, located in exon 15 (of 31), is absent from gnomAD and ClinVar and has not been identified in the literature. In silico analysis is inconclusive regarding the impact of this variant. According to the currently available evidence, this variant has been classified as uncertain significance (PM2_P).